The following is an entry in ClinVar:

NM_006267.5(RANBP2):c.4042G>A (p.Val1348Ile)

Gene: RANBP2 (RAN binding protein 2; plus strand). Cytogenetic location: 2q13.
Variant type: single nucleotide variant.
Coding change: c.4042G>A on transcript NM_006267.5 (MANE Select); coding-DNA position 4042, G replaced by A.
Protein change: p.Val1348Ile; replaces valine 1348 with isoleucine.
Molecular consequence: missense variant.
Genome position (GRCh38, 1-based): chr2:108,764,581, G>A. VCF-style: chr2-108764581-G-A. GRCh37 (hg19) VCF-style: chr2-109381037-G-A.
Other names: short protein forms V1348I.
Identifiers: ClinVar variation 571939 (VCV000571939.12), dbSNP rs139246606, ClinGen allele CA1823035.

ClinVar aggregate classification (germline): Uncertain significance (1 of 4 stars; one submission).

Conditions:
Familial acute necrotizing encephalopathy (IIAE3). Also called: ENCEPHALOPATHY, ACUTE, INFECTION-INDUCED, SUSCEPTIBILITY TO, 3; Susceptibility to Acute Necrotizing Encephalopathy 1. Identifiers: Orphanet 88619, MedGen C2675556, MONDO:0011953, OMIM 608033.

Allele frequency attached by ClinVar (database versions not stated): TOPMed 0.00010; gnomAD 0.00013; ESP Exome Variant Server 0.00015; 1000 Genomes Project 30x 0.00016; 1000 Genomes Project 0.00020.
gnomAD v4.1: 29 of 1,613,934 alleles (0.0018%); highest among the groups gnomAD compares: African/African-American, 0.036%; no homozygotes.

Submission:

Labcorp Genetics (formerly Invitae), Labcorp
Classification: Uncertain significance for Familial acute necrotizing encephalopathy. Last evaluated: 2022-11-23. Review status: criteria provided, single submitter. Criteria: Invitae Variant Classification Sherloc (09022015). Collection method: clinical testing. Allele origin: germline.
Comment: ClinVar contains an entry for this variant (Variation ID: 571939). This variant has not been reported in the literature in individuals affected with RANBP2-related conditions. This variant is present in population databases (rs139246606, gnomAD 0.04%). This sequence change replaces valine, which is neutral and non-polar, with isoleucine, which is neutral and non-polar, at codon 1348 of the RANBP2 protein (p.Val1348Ile). In summary, the available evidence is currently insufficient to determine the role of this variant in disease. Therefore, it has been classified as a Variant of Uncertain Significance. Algorithms developed to predict the effect of missense changes on protein structure and function output the following: SIFT: "Tolerated"; PolyPhen-2: "Benign"; Align-GVGD: "Class C0". The isoleucine amino acid residue is found in multiple mammalian species, which suggests that this missense change does not adversely affect protein function.